The following is an entry in ClinVar:

ClinVar aggregate classification (germline): Benign/Likely benign. Review status: criteria provided, multiple submitters, no conflicts (2 of 4 stars). 7 submissions from 7 submitters: Benign (3); Likely benign (3). 1 of the submissions does not count toward it. Last evaluated 2026-01-24.

Conditions:
LARS2-related disorder. Also called: LARS2-related condition.

Allele frequency attached by ClinVar (database versions not stated): gnomAD exomes 0.00104; ExAC 0.00159; gnomAD 0.00435 and 0.00466; 1000 Genomes Project 0.00479; TOPMed 0.00482; 1000 Genomes Project 30x 0.00500; ESP Exome Variant Server 0.00515.
gnomAD v4.1: 1,337 of 1,609,118 alleles (0.083%); highest among the groups gnomAD compares: African/African-American, 1.6%; 13 homozygotes.

Submissions (7):

Labcorp Genetics (formerly Invitae), Labcorp
Classification: Benign. Last evaluated: 2026-01-24. Review status: criteria provided, single submitter. Criteria: Invitae Variant Classification Sherloc (09022015). Collection method: clinical testing. Allele origin: germline.

Blueprint Genetics
Classification: Likely benign. Last evaluated: 2024-10-07. Review status: criteria provided, single submitter. Criteria: ACMG Guidelines, 2015. Collection method: clinical testing. Allele origin: germline.

ARUP Laboratories, Molecular Genetics and Genomics, ARUP Laboratories
Classification: Benign. Last evaluated: 2022-03-02. Review status: criteria provided, single submitter. Criteria: ARUP Molecular Germline Variant Investigation Process 2021. Collection method: clinical testing. Allele origin: germline.

GeneDx
Classification: Likely benign. Last evaluated: 2021-02-25. Review status: criteria provided, single submitter. Criteria: GeneDx Variant Classification Process June 2021. Collection method: clinical testing. Allele origin: germline. Affected: yes.

Laboratory for Molecular Medicine, Mass General Brigham Personalized Medicine
Classification: Benign. Last evaluated: 2014-11-24. Review status: criteria provided, single submitter. Criteria: LMM Criteria. Collection method: clinical testing. Allele origin: germline. Observed: 2 variant alleles.
Comment: Ala255Ala in exon 9 of LARS2: This variant is not expected to have clinical sign ificance because it does not alter an amino acid residue and is not located with in the splice consensus sequence. It has been identified in 1.5% (67/4406) of Af rican American chromosomes from a broad population by the NHLBI Exome Sequencing Project (dbSNP rs116272561).

Breakthrough Genomics
Classification: Likely benign. Review status: criteria provided, single submitter. Criteria: ACMG Guidelines, 2015. Collection method: not provided. Allele origin: germline. Inheritance: Autosomal recessive inheritance. Affected: yes.

PreventionGenetics, part of Exact Sciences
Classification: Benign for LARS2-related condition. Last evaluated: 2019-09-23. Review status: no assertion criteria provided. Collection method: clinical testing. Allele origin: germline. Not counted in ClinVar's aggregate classification.
Comment: This variant is classified as benign based on ACMG/AMP sequence variant interpretation guidelines (Richards et al. 2015 PMID: 25741868, with internal and published modifications).

NM_015340.4(LARS2):c.765G>A (p.Ala255=)

Gene: LARS2 (leucyl-tRNA synthetase 2, mitochondrial; plus strand). Cytogenetic location: 3p21.31.
Variant type: single nucleotide variant.
Coding change: c.765G>A on transcript NM_015340.4 (MANE Select); coding-DNA position 765, G replaced by A.
Protein change: p.Ala255=; no amino-acid change (alanine 255 retained).
Molecular consequence: synonymous variant.
Genome position (GRCh38, 1-based): chr3:45,474,257, G>A. VCF-style: chr3-45474257-G-A. GRCh37 (hg19) VCF-style: chr3-45515749-G-A.
Other names: c.765G>A, p.Ala255= (NM_001368263.1).
Identifiers: ClinVar variation 226706 (VCV000226706.26), dbSNP rs116272561, ClinGen allele CA2349414.